The following is an entry in ClinVar:

ClinVar aggregate classification (germline): Uncertain significance (1 of 4 stars; one submission).

Conditions:
Lethal multiple pterygium syndrome (LMPS). Identifiers: Orphanet 33108, MedGen C1854678, MONDO:0009668, OMIM 253290.

Allele frequency attached by ClinVar (database versions not stated): gnomAD exomes 0.00001; ExAC 0.00002.

Submission:

Labcorp Genetics (formerly Invitae), Labcorp
Classification: Uncertain significance for Lethal multiple pterygium syndrome. Last evaluated: 2022-10-11. Review status: criteria provided, single submitter. Criteria: Invitae Variant Classification Sherloc (09022015). Collection method: clinical testing. Allele origin: germline.
Comment: In summary, the available evidence is currently insufficient to determine the role of this variant in disease. Therefore, it has been classified as a Variant of Uncertain Significance. Advanced modeling of protein sequence and biophysical properties (such as structural, functional, and spatial information, amino acid conservation, physicochemical variation, residue mobility, and thermodynamic stability) performed at Invitae indicates that this missense variant is not expected to disrupt CHRND protein function. This variant has not been reported in the literature in individuals affected with CHRND-related conditions. This variant is present in population databases (rs769613535, gnomAD 0.01%). This sequence change replaces valine, which is neutral and non-polar, with isoleucine, which is neutral and non-polar, at codon 220 of the CHRND protein (p.Val220Ile).

NM_000751.3(CHRND):c.658G>A (p.Val220Ile)

Gene: CHRND (cholinergic receptor nicotinic delta subunit; plus strand). Cytogenetic location: 2q37.1.
Variant type: single nucleotide variant.
Coding change: c.658G>A on transcript NM_000751.3 (MANE Select); coding-DNA position 658, G replaced by A.
Protein change: p.Val220Ile; replaces valine 220 with isoleucine.
Molecular consequence: missense variant. On other transcripts: intron variant (1).
Genome position (GRCh38, 1-based): chr2:232,529,977, G>A. VCF-style: chr2-232529977-G-A. GRCh37 (hg19) VCF-style: chr2-233394687-G-A.
Other names: c.613G>A, p.Val205Ile (NM_001256657.2); c.355G>A, p.Val119Ile (NM_001311196.2); c.238+1321G>A (NM_001311195.2); short protein forms V119I, V205I, V220I.
Identifiers: ClinVar variation 1898017 (VCV001898017.5), dbSNP rs769613535, ClinGen allele CA2168112.